The following is an entry in ClinVar:

ClinVar aggregate classification (germline): Uncertain significance (1 of 4 stars; one submission).

Conditions:
Dilated cardiomyopathy 1O (CMD1O). Also called: CARDIOMYOPATHY, DILATED, WITH VENTRICULAR TACHYCARDIA. Identifiers: Orphanet 154, MedGen C1837839, MONDO:0012062, OMIM 608569.

Allele frequency attached by ClinVar (database versions not stated): gnomAD exomes below 0.00001.
gnomAD v4.1: 1 of 1,613,992 alleles (0.000062%); highest among the groups gnomAD compares: Non-Finnish European, 0.000085%; no homozygotes.

Submission:

Labcorp Genetics (formerly Invitae), Labcorp
Classification: Uncertain significance for Dilated cardiomyopathy 1O. Last evaluated: 2022-10-04. Review status: criteria provided, single submitter. Criteria: Invitae Variant Classification Sherloc (09022015). Collection method: clinical testing. Allele origin: germline.
Comment: In summary, the available evidence is currently insufficient to determine the role of this variant in disease. Therefore, it has been classified as a Variant of Uncertain Significance. Advanced modeling of protein sequence and biophysical properties (such as structural, functional, and spatial information, amino acid conservation, physicochemical variation, residue mobility, and thermodynamic stability) performed at Invitae indicates that this missense variant is not expected to disrupt ABCC9 protein function. This variant has not been reported in the literature in individuals affected with ABCC9-related conditions. This variant is not present in population databases (gnomAD no frequency). This sequence change replaces asparagine, which is neutral and polar, with lysine, which is basic and polar, at codon 1548 of the ABCC9 protein (p.Asn1548Lys).

NM_020297.4(ABCC9):c.4512+818C>G

Genes: ABCC9 (ATP binding cassette subfamily C member 9; minus strand), KCNJ8-AS1 (KCNJ8 antisense RNA 1; plus strand). Cytogenetic location: 12p12.1.
Variant type: single nucleotide variant.
Coding change: c.4512+818C>G on transcript NM_020297.4 (MANE Select); 818 bases into the intron after coding-DNA position 4512, C replaced by G.
Molecular consequence: intron variant. On other transcripts: missense variant (1).
Genome position (GRCh38, 1-based): chr12:21,805,180, G>C on the plus strand (C>G on the coding strand, the complement: ABCC9 is on the minus strand). VCF-style: chr12-21805180-G-C. GRCh37 (hg19) VCF-style: chr12-21958114-G-C.
Other names: c.4644C>G, p.Asn1548Lys (NM_005691.4); c.3645+818C>G (NM_001377274.1); c.4512+818C>G (NM_001377273.1); short protein forms N1548K.
Identifiers: ClinVar variation 1929347 (VCV001929347.5), dbSNP rs1941746190, ClinGen allele CA384128633.
Genomic context (GRCh38, chr12:21,805,180, plus strand): 5'-CTGCTAAGATAACTACCGGAGAATGACAGACTTGGTGCAATAGATCATGATGGTCTACTT[G>C]TTGGTCATCACCAAAGTGGAAAAGAGGCCATTCTTGTGGGCGAGCAAATTTGGGACAGTA-3'